The following is an entry in ClinVar:

ClinVar aggregate classification (germline): Likely benign (1 of 4 stars; one submission).

Submission:

Mayo Clinic Laboratories, Mayo Clinic
Classification: Likely benign. Last evaluated: 2025-10-09. Review status: criteria provided, single submitter. Criteria: ACMG Guidelines, 2015. Collection method: clinical testing. Allele origin: germline. Observed: 1 variant allele.
Comment: BP4, BP7

NM_005559.4(LAMA1):c.135G>A (p.Gly45=)

Gene: LAMA1 (laminin subunit alpha 1; minus strand). Cytogenetic location: 18p11.31.
Variant type: single nucleotide variant.
Coding change: c.135G>A on transcript NM_005559.4 (MANE Select); coding-DNA position 135, G replaced by A.
Protein change: p.Gly45=; no amino-acid change (glycine 45 retained).
Molecular consequence: synonymous variant.
Genome position (GRCh38, 1-based): chr18:7,080,384, C>T on the plus strand (G>A on the coding strand, the complement: LAMA1 is on the minus strand). VCF-style: chr18-7080384-C-T. GRCh37 (hg19) VCF-style: chr18-7080383-C-T.
Other names: p.Gly45=.
Identifiers: ClinVar variation 4684277 (VCV004684277.1).